The following is an entry in ClinVar:

ClinVar aggregate classification (germline): Benign/Likely benign. Review status: criteria provided, multiple submitters, no conflicts (2 of 4 stars). 5 submissions from 5 submitters: Benign (1); Likely benign (4). Last evaluated 2025-11-16.

Conditions:
COL1A1-related disorder. Also called: COL1A1-related condition; COL1A1- related disease.
Cardiovascular phenotype. Identifiers: MedGen CN230736.
Osteogenesis imperfecta type I (OI1). Also called: OI, TYPE I; OSTEOGENESIS IMPERFECTA TARDA; OSTEOGENESIS IMPERFECTA WITH BLUE SCLERAE; Osteogenesis imperfecta type 1; Classic Non-deforming Osteogenesis Imperfecta with Blue Sclerae; Lobstein's Disease. Identifiers: Orphanet 216796, Orphanet 666, MedGen C0023931, MONDO:0008146, OMIM 166200. Disease mechanism: loss of function.

Allele frequency attached by ClinVar (database versions not stated): gnomAD exomes 0.00002 and 0.00007; ExAC 0.00012; gnomAD 0.00023; TOPMed 0.00032; ESP Exome Variant Server 0.00046; 1000 Genomes Project 0.00060; 1000 Genomes Project 30x 0.00094.
gnomAD v4.1: 68 of 1,614,188 alleles (0.0042%); highest among the groups gnomAD compares: African/African-American, 0.065%; no homozygotes.

Submissions (5):

PreventionGenetics, part of Exact Sciences
Classification: Likely benign for COL1A1-related condition. Last evaluated: 2025-11-16. Review status: criteria provided, single submitter. Criteria: ACMG Guidelines, 2015. Collection method: clinical testing. Allele origin: germline.
Comment: This variant is classified as likely benign based on ACMG/AMP sequence variant interpretation guidelines (Richards et al. 2015 PMID: 25741868, with internal and published modifications).

Labcorp Genetics (formerly Invitae), Labcorp
Classification: Likely benign for Osteogenesis imperfecta type I. Last evaluated: 2025-11-12. Review status: criteria provided, single submitter. Criteria: Invitae Variant Classification Sherloc (09022015). Collection method: clinical testing. Allele origin: germline.

Women's Health and Genetics/Laboratory Corporation of America, LabCorp
Classification: Likely benign. Last evaluated: 2025-07-09. Review status: criteria provided, single submitter. Criteria: LabCorp Variant Classification Summary - May 2015. Collection method: clinical testing. Allele origin: germline.
Comment: Variant summary: COL1A1 c.3849C>A (p.Asn1283Lys) results in a non-conservative amino acid change in the encoded protein sequence. Algorithms developed to predict the effect of missense changes on protein structure and function are either unavailable or do not agree on the potential impact of this missense change. The variant allele was found at a frequency of 6.8e-05 in 251480 control chromosomes. The observed variant frequency is approximately 2.4 fold of the estimated maximal expected allele frequency for a pathogenic variant in COL1A1 causing Osteogenesis Imperfecta phenotype (2.8e-05). To our knowledge, no occurrence of c.3849C>A in individuals affected with Osteogenesis Imperfecta and no experimental evidence demonstrating its impact on protein function have been reported. ClinVar contains an entry for this variant (Variation ID: 456779). Based on the evidence outlined above, the variant was classified as likely benign.

Ambry Genetics
Classification: Benign for Cardiovascular phenotype. Last evaluated: 2025-06-25. Review status: criteria provided, single submitter. Criteria: Ambry Variant Classification Scheme 2023. Collection method: clinical testing. Allele origin: germline.

GeneDx
Classification: Likely benign. Last evaluated: 2021-03-23. Review status: criteria provided, single submitter. Criteria: GeneDx Variant Classification Process June 2021. Collection method: clinical testing. Allele origin: germline. Affected: yes.

NM_000088.4(COL1A1):c.3849C>A (p.Asn1283Lys)

Gene: COL1A1 (collagen type I alpha 1 chain; minus strand). Cytogenetic location: 17q21.33.
Variant type: single nucleotide variant.
Coding change: c.3849C>A on transcript NM_000088.4 (MANE Select); coding-DNA position 3849, C replaced by A.
Protein change: p.Asn1283Lys; replaces asparagine 1283 with lysine.
Molecular consequence: missense variant.
Genome position (GRCh38, 1-based): chr17:50,186,473, G>T on the plus strand (C>A on the coding strand, the complement: COL1A1 is on the minus strand). VCF-style: chr17-50186473-G-T. GRCh37 (hg19) VCF-style: chr17-48263834-G-T.
Other names: short protein forms N1283K.
Identifiers: ClinVar variation 456779 (VCV000456779.16), dbSNP rs199911681, ClinGen allele CA8644328.
Genomic context (GRCh38, chr17:50,186,473, plus strand): 5'-AGTGGGGTACACGCAGGTCTCACCAGTCTCCATGTTGCAGAAGACTTTGATGGCATCCAG[G>T]TTGCAGCCTTGGTTGGGGTCAATCCAGTACTCTCCTGTGGTAGGGCAGGGCAAGATGGAG-3'
Protein context (NP_000079.2, residues 1273-1293): EYWIDPNQGC[Asn1283Lys]LDAIKVFCNM